The following is an entry in ClinVar:

NM_198880.3(QRICH1):c.652G>T (p.Ala218Ser)

Gene: QRICH1 (glutamine rich 1; minus strand). Cytogenetic location: 3p21.31.
Variant type: single nucleotide variant.
Coding change: c.652G>T on transcript NM_198880.3 (MANE Select); coding-DNA position 652, G replaced by T.
Protein change: p.Ala218Ser; replaces alanine 218 with serine.
Molecular consequence: missense variant.
Genome position (GRCh38, 1-based): chr3:49,057,548, C>A on the plus strand (G>T on the coding strand, the complement: QRICH1 is on the minus strand). VCF-style: chr3-49057548-C-A. GRCh37 (hg19) VCF-style: chr3-49094981-C-A.
Other names: c.652G>T, p.Ala218Ser (NM_001320580.2, NM_001320581.2, NM_001320582.2 and 4 more transcripts); short protein forms A218S.
Identifiers: ClinVar variation 3359487 (VCV003359487.1).

ClinVar aggregate classification (germline): Uncertain significance (1 of 4 stars; one submission).

Submission:

GeneDx
Classification: Uncertain significance. Last evaluated: 2023-06-07. Review status: criteria provided, single submitter. Criteria: GeneDx Variant Classification Process June 2021. Collection method: clinical testing. Allele origin: germline. Affected: yes.
Comment: Not observed at significant frequency in large population cohorts (gnomAD); In silico analysis supports that this missense variant does not alter protein structure/function; Has not been previously published as pathogenic or benign to our knowledge